The following is an entry in ClinVar:

NM_000701.8(ATP1A1):c.1775T>C (p.Ile592Thr)

Genes: ATP1A1 (ATPase Na+/K+ transporting subunit alpha 1; plus strand), ATP1A1-AS1 (ATP1A1 antisense RNA 1; minus strand). Cytogenetic location: 1p13.1.
Variant type: single nucleotide variant.
Coding change: c.1775T>C on transcript NM_000701.8 (MANE Select); coding-DNA position 1775, T replaced by C.
Protein change: p.Ile592Thr; replaces isoleucine 592 with threonine.
Molecular consequence: missense variant.
Genome position (GRCh38, 1-based): chr1:116,395,224, T>C. VCF-style: chr1-116395224-T-C. GRCh37 (hg19) VCF-style: chr1-116937846-T-C.
Other names: c.1775T>C, p.Ile592Thr (NM_001160233.2); c.1682T>C, p.Ile561Thr (NM_001160234.2); c.1775T>C (NM_001160233.1); short protein forms I592T, I561T.
Identifiers: ClinVar variation 545680 (VCV000545680.32), dbSNP rs1553192086, ClinGen allele CA341771587.
Genomic context (GRCh38, chr1:116,395,224, plus strand): 5'-ACACTGACGATGTGAATTTCCCTATCGATAATCTGTGCTTTGTTGGGCTCATCTCCATGA[T>C]TGACCCTCCACGGGCGGCCGTTCCTGATGCCGTGGGCAAATGTCGAAGTGCTGGAATTAA-3'
Protein context (NP_000692.2, residues 582-602): NLCFVGLISM[Ile592Thr]DPPRAAVPDA

ClinVar aggregate classification (germline): Pathogenic/Likely pathogenic. Review status: criteria provided, multiple submitters, no conflicts (2 of 4 stars). 6 submissions from 6 submitters: Pathogenic (2); Likely pathogenic (2). 2 of the submissions do not count toward it. Last evaluated 2026-03-03.

Conditions:
Charcot-Marie-tooth disease, axonal, type 2DD. Also called: CHARCOT-MARIE-TOOTH NEUROPATHY, TYPE 2DD. Identifiers: Orphanet 521414, MedGen C4747974, MONDO:0054833, OMIM 618036.
Inborn genetic diseases. Identifiers: MedGen C0950123, MeSH D030342.
Charcot-Marie-Tooth disease type 2A2. Also called: Charcot-Marie-Tooth Neuropathy Type 2A2; CHARCOT-MARIE-TOOTH DISEASE, AXONAL, AUTOSOMAL DOMINANT, TYPE 2A2A; CHARCOT-MARIE-TOOTH DISEASE, AXONAL, TYPE 2A2; CHARCOT-MARIE-TOOTH DISEASE, NEURONAL, TYPE 2A2; HEREDITARY MOTOR AND SENSORY NEUROPATHY IIA2; HMSN IIA2. Identifiers: Orphanet 99947, MedGen C4721887, MONDO:0012231, OMIM 609260.

Allele frequency attached by ClinVar (database versions not stated): gnomAD exomes below 0.00001.
gnomAD v4.1: 2 of 1,614,194 alleles (0.00012%); highest among the groups gnomAD compares: Non-Finnish European, 0.00017%; no homozygotes.

Submissions (6):

Ambry Genetics
Classification: Likely pathogenic for Inborn genetic diseases. Last evaluated: 2026-03-03. Review status: criteria provided, single submitter. Criteria: Ambry Variant Classification Scheme 2023. Collection method: clinical testing. Allele origin: germline.
Comment: The c.1775T>C (p.I592T) alteration is located in exon 13 (coding exon 13) of the ATP1A1 gene. This alteration results from a T to C substitution at nucleotide position 1775, causing the isoleucine (I) at amino acid position 592 to be replaced by a threonine (T). This variant was not reported in population-based cohorts in the Genome Aggregation Database (gnomAD). This variant was identified in one or more individuals with features consistent with ATP1A1-related neurologic disorders and segregated with disease in at least one family (Lassuthova, 2018; external communication). This amino acid position is highly conserved in available vertebrate species. This missense variant is located in a region that has a low rate of benign missense variation (Lek, 2016; Firth, 2009). In an assay testing ATP1A1 function, this variant showed a functionally abnormal result (Lassuthova, 2018). This alteration is predicted to be deleterious by in silico analysis. Based on the available evidence, this alteration is classified as likely pathogenic.

Labcorp Genetics (formerly Invitae), Labcorp
Classification: Pathogenic. Last evaluated: 2025-09-11. Review status: criteria provided, single submitter. Criteria: Invitae Variant Classification Sherloc (09022015). Collection method: clinical testing. Allele origin: germline.
Comment: This sequence change replaces isoleucine, which is neutral and non-polar, with threonine, which is neutral and polar, at codon 592 of the ATP1A1 protein (p.Ile592Thr). This variant is not present in population databases (gnomAD no frequency). This missense change has been observed in individuals with clinical features of Charcot-Marie-Tooth disease (PMID: 29499166; internal data). It has also been observed to segregate with disease in related individuals. ClinVar contains an entry for this variant (Variation ID: 545680). Invitae Evidence Modeling of protein sequence and biophysical properties (such as structural, functional, and spatial information, amino acid conservation, physicochemical variation, residue mobility, and thermodynamic stability) indicates that this missense variant is expected to disrupt ATP1A1 protein function with a positive predictive value of 80%. Experimental studies have shown that this missense change affects ATP1A1 function (PMID: 29499166). For these reasons, this variant has been classified as Pathogenic.

Clinical Genetics Laboratory, University Hospital Schleswig-Holstein
Classification: Pathogenic for Charcot-Marie-tooth disease, axonal, type 2DD. Last evaluated: 2025-04-30. Review status: criteria provided, single submitter. Criteria: ACMG Guidelines, 2015. Collection method: clinical testing. Allele origin: germline. Affected: yes. Observed: 1 heterozygote.
Comment: ACMG criteria applied: PM2, PS4_Moderate, PP3, PP2, PS3, PP4

Clinical Omics and Informatics (COIN) Unit, Neuroscience Institute, University Of Cape Town
Classification: Likely pathogenic for Charcot-Marie-tooth disease, axonal, type 2DD. Last evaluated: 2024-05-22. Review status: criteria provided, single submitter. Criteria: ACMG Guidelines, 2015. Collection method: research. Allele origin: germline. Inheritance: Autosomal dominant inheritance. Affected: yes. Observed: 1 variant allele, 1 heterozygote.
Comment: PM2_supporting: this variant is absent from gnomAD V4.0 (adequate coverage >20X confirmed) and an internal database of 1074 control alleles. PM1 met: variant occurs in a functional domain (helical linker region that couples the N and P domain) together with other pathogenic mutations. PP3_moderate: REVEL score is 0.86. PP2 met: missense Z-score is 6.215. PP1_supporting: variant segregates with =3 informative meioses across =1 family (PMID 29499166). PS4_supporting: variant identified in =1 unrelated proband(s) with consistent phenotype for disorder (PMID 29499166). PS3_supporting: functional studies provide supportive evidence that this variant has a damaging effect on the gene or gene product (PMID 29499166). Sequencing funded by the International Centre for Genomic Medicine in Neuromuscular Diseases (ICGNMD).

OMIM
Classification: Pathogenic for CHARCOT-MARIE-TOOTH DISEASE, AXONAL, TYPE 2DD. Last evaluated: 2018-06-28. Review status: no assertion criteria provided. Collection method: literature only. Allele origin: germline. Not counted in ClinVar's aggregate classification.

Inherited Neuropathy Consortium Ii, University Of Miami
Classification: Uncertain significance for Charcot-Marie-Tooth disease type 2A2. Last evaluated: 2017-10-07. Review status: no assertion criteria provided. Collection method: literature only. Allele origin: germline. Affected: yes. Not counted in ClinVar's aggregate classification.

Literature cited by the submitters: PubMed 29499166 (cited by 4 submitters); PubMed 37712079 (cited by Clinical Omics and Informatics (COIN) Unit, Neuroscience Institute, University Of Cape Town); PubMed 21494555 (cited by Inherited Neuropathy Consortium Ii, University Of Miami).